The following is an entry in ClinVar:

ClinVar aggregate classification (germline): Uncertain significance (1 of 4 stars; one submission).

Conditions:
CHD4-related disorder. Also called: CHD4-related condition.

Submission:

PreventionGenetics, part of Exact Sciences
Classification: Uncertain significance for CHD4-related condition. Last evaluated: 2022-10-06. Review status: criteria provided, single submitter. Criteria: ACMG Guidelines, 2015. Collection method: clinical testing. Allele origin: germline.
Comment: The CHD4 c.3509T>C variant is predicted to result in the amino acid substitution p.Met1170Thr. To our knowledge, this variant has not been reported in the literature or in a large population database, indicating this variant is rare. At this time, the clinical significance of this variant is uncertain due to the absence of conclusive functional and genetic evidence.

NM_001273.5(CHD4):c.3509T>C (p.Met1170Thr)

Gene: CHD4 (chromodomain helicase DNA binding protein 4; minus strand). Cytogenetic location: 12p13.31.
Variant type: single nucleotide variant.
Coding change: c.3509T>C on transcript NM_001273.5 (MANE Select); coding-DNA position 3509, T replaced by C.
Protein change: p.Met1170Thr; replaces methionine 1170 with threonine.
Molecular consequence: missense variant.
Genome position (GRCh38, 1-based): chr12:6,587,906, A>G on the plus strand (T>C on the coding strand, the complement: CHD4 is on the minus strand). VCF-style: chr12-6587906-A-G. GRCh37 (hg19) VCF-style: chr12-6697072-A-G.
Other names: c.3488T>C, p.Met1163Thr (NM_001297553.2); c.3470T>C, p.Met1157Thr (NM_001363606.2); short protein forms M1157T, M1163T, M1170T.
Identifiers: ClinVar variation 2637282 (VCV002637282.1), dbSNP rs2540390423, ClinGen allele CA383582171.
Genomic context (GRCh38, chr12:6,587,906, plus strand): 5'-TTCTTTGCCACCTGCGTGATGCGCTCCTCCACTGACGCACGGGTCACAAACCGGTAGATC[A>G]TTACCTTTTTATTTTGCCCAATCCGGTGAGCTCTGCTAAAGGCCTGGAGTTGAACAGGAA-3'
Protein context (NP_001264.2, residues 1160-1180): AHRIGQNKKV[Met1170Thr]IYRFVTRASV